The following is an entry in ClinVar:

NM_001009944.3(PKD1):c.4924C>T (p.Arg1642Cys)

Gene: PKD1 (polycystin 1, transient receptor potential channel interacting; minus strand). Cytogenetic location: 16p13.3.
Variant type: single nucleotide variant.
Coding change: c.4924C>T on transcript NM_001009944.3 (MANE Select); coding-DNA position 4924, C replaced by T.
Protein change: p.Arg1642Cys; replaces arginine 1642 with cysteine.
Molecular consequence: missense variant.
Genome position (GRCh38, 1-based): chr16:2,110,243, G>A on the plus strand (C>T on the coding strand, the complement: PKD1 is on the minus strand). VCF-style: chr16-2110243-G-A. GRCh37 (hg19) VCF-style: chr16-2160244-G-A.
Other names: c.4924C>T, p.Arg1642Cys (NM_000296.4); short protein forms R1642C.
Identifiers: ClinVar variation 3579476 (VCV003579476.2).

ClinVar aggregate classification (germline): Uncertain significance. Review status: criteria provided, multiple submitters, no conflicts (2 of 4 stars). 2 submissions from 2 submitters: Uncertain significance (2). Last evaluated 2024-08-26.

Conditions:
Polycystic kidney disease, adult type (PKD1). Also called: Polycystic Kidney Disease 1, Autosomal Dominant; Polycystic kidney disease 1; Polycystic kidney disease 1, severe; POLYCYSTIC KIDNEY DISEASE 1 WITH OR WITHOUT POLYCYSTIC LIVER DISEASE; POLYCYSTIC KIDNEY DISEASE, ADULT, TYPE I; Polycystic Kidney, Autosomal Dominant. Identifiers: MedGen C3149841, MONDO:0008263, OMIM 173900.

gnomAD v4.1: 28 of 1,611,978 alleles (0.0017%); highest among the groups gnomAD compares: Admixed American, 0.0083%; no homozygotes.

Submissions (2):

GeneDx
Classification: Uncertain significance. Last evaluated: 2024-08-26. Review status: criteria provided, single submitter. Criteria: GeneDx Variant Classification Process June 2021. Collection method: clinical testing. Allele origin: germline. Affected: yes.
Comment: In silico analysis indicates that this missense variant does not alter protein structure/function; Has not been previously published as pathogenic or benign to our knowledge

Fulgent Genetics
Classification: Uncertain significance for Polycystic kidney disease, adult type. Last evaluated: 2024-04-02. Review status: criteria provided, single submitter. Criteria: ACMG Guidelines, 2015. Collection method: clinical testing. Allele origin: germline.